The following is an entry in ClinVar:

ClinVar aggregate classification (germline): Uncertain significance (1 of 4 stars; one submission).

Conditions:
Mitochondrial complex II deficiency, nuclear type 1. Also called: SUCCINATE CoQ REDUCTASE DEFICIENCY. Identifiers: Orphanet 3208, MedGen C5700310, MONDO:0100294, OMIM 252011.
Pheochromocytoma/paraganglioma syndrome 5. Also called: Paragangliomas 5; SDHA-Related Hereditary Paraganglioma-Pheochromocytoma Syndrome. Identifiers: Orphanet 29072, MedGen C3279992, MONDO:0013602, OMIM 614165.

Submission:

Labcorp Genetics (formerly Invitae), Labcorp
Classification: Uncertain significance for Pheochromocytoma/paraganglioma syndrome 5; Mitochondrial complex II deficiency, nuclear type 1. Last evaluated: 2025-11-05. Review status: criteria provided, single submitter. Criteria: Invitae Variant Classification Sherloc (09022015). Collection method: clinical testing. Allele origin: germline.
Comment: This sequence change falls in intron 4 of the SDHA gene. It does not directly change the encoded amino acid sequence of the SDHA protein. This variant is not present in population databases (gnomAD no frequency). This variant has not been reported in the literature in individuals affected with SDHA-related conditions. Experimental studies and prediction algorithms are not available or were not evaluated, and the effect of this variant on mRNA splicing is currently unknown. In summary, the available evidence is currently insufficient to determine the role of this variant in disease. Therefore, it has been classified as a Variant of Uncertain Significance.

NM_004168.4(SDHA):c.457-18_457-17insAGATGCTTGAAGGCAGCATGCTCGTTAAGAGTCATCACCACTCCCTAATCTTAAGTACCCAGGGACACAAANNNNNNNNNNAAAAAAAAAAAAAAAAAAAAAAGGTTTTTGTTT

Gene: SDHA (succinate dehydrogenase complex flavoprotein subunit A; plus strand). Cytogenetic location: 5p15.33.
Variant type: Insertion.
Coding change: c.457-18_457-17insAGATGCTTGAAGGCAGCATGCTCGTTAAGAGTCATCACCACTCCCTAATCTTAAGTACCCAGGGACACAAANNNNNNNNNNAAAAAAAAAAAAAAAAAAAAAAGGTTTTTGTTT on transcript NM_004168.4 (MANE Select); 18 bases into the intron before coding-DNA position 457 through 17 bases into the intron before coding-DNA position 457, AGATGCTTGAAGGCAGCATGCTCGTTAAGAGTCATCACCACTCCCTAATCTTAAGTACCCAGGGACACAAANNNNNNNNNNAAAAAAAAAAAAAAAAAAAAAAGGTTTTTGTTT inserted.
Molecular consequence: intron variant.
Genome position: GRCh38: chr5:225,865-225,866. GRCh37 (hg19): chr5:225,980-225,981.
Other names: c.457-18_457-17insAGATGCTTGAAGGCAGCATGCTCGTTAAGAGTCATCACCACTCCCTAATCTTAAGTACCCAGGGACACAAANNNNNNNNNNAAAAAAAAAAAAAAAAAAAAAAGGTTTTTGTTT (NM_001330758.2); c.313-18_313-17insAGATGCTTGAAGGCAGCATGCTCGTTAAGAGTCATCACCACTCCCTAATCTTAAGTACCCAGGGACACAAANNNNNNNNNNAAAAAAAAAAAAAAAAAAAAAAGGTTTTTGTTT (NM_001294332.2).
Identifiers: ClinVar variation 4784102 (VCV004784102.1).